The following is an entry in ClinVar:

NM_005228.5(EGFR):c.1219A>G (p.Ile407Val)

Gene: EGFR (epidermal growth factor receptor; plus strand). Cytogenetic location: 7p11.2.
Variant type: single nucleotide variant.
Coding change: c.1219A>G on transcript NM_005228.5 (MANE Select); coding-DNA position 1219, A replaced by G.
Protein change: p.Ile407Val; replaces isoleucine 407 with valine.
Molecular consequence: missense variant.
Genome position (GRCh38, 1-based): chr7:55,157,674, A>G. VCF-style: chr7-55157674-A-G. GRCh37 (hg19) VCF-style: chr7-55225367-A-G.
Other names: c.1084A>G, p.Ile362Val (NM_001346897.2, NM_001346899.2); c.1219A>G, p.Ile407Val (NM_001346898.2, NM_201282.2, NM_201284.2); c.1060A>G, p.Ile354Val (NM_001346900.2); c.418A>G, p.Ile140Val (NM_001346941.2); short protein forms I140V, I362V, I407V, I354V.
Identifiers: ClinVar variation 856752 (VCV000856752.11), dbSNP rs1179620001, ClinGen allele CA367579111.
Genomic context (GRCh38, chr7:55,157,674, plus strand): 5'-AAGAAACTCCTACGTGGTGTGTGTCTGAAGTCTTTCATCTGCCTTACAGGGTTTTTGCTG[A>G]TTCAGGCTTGGCCTGAAAACAGGACGGACCTCCATGCCTTTGAGAACCTAGAAATCATAC-3'
Protein context (NP_005219.2, residues 397-417): TVKEITGFLL[Ile407Val]QAWPENRTDL

ClinVar aggregate classification (germline): Uncertain significance. Review status: criteria provided, multiple submitters, no conflicts (2 of 4 stars). 2 submissions from 2 submitters: Uncertain significance (2). Last evaluated 2026-01-27.

Conditions:
Hereditary cancer-predisposing syndrome. Also called: Tumor predisposition; Hereditary neoplastic syndrome; Neoplastic Syndromes, Hereditary; Hereditary Cancer Syndrome. Identifiers: Orphanet 140162, MedGen C0027672, MeSH D009386, MONDO:0015356.
EGFR-related lung cancer (EGFR). Identifiers: MedGen CN130014.

Allele frequency attached by ClinVar (database versions not stated): gnomAD exomes 0.00001.
gnomAD v4.1: 8 of 1,614,242 alleles (0.0005%); highest among the groups gnomAD compares: Non-Finnish European, 0.00059%; no homozygotes.

Submissions (2):

Labcorp Genetics (formerly Invitae), Labcorp
Classification: Uncertain significance for EGFR-related lung cancer. Last evaluated: 2026-01-27. Review status: criteria provided, single submitter. Criteria: Invitae Variant Classification Sherloc (09022015). Collection method: clinical testing. Allele origin: germline.
Comment: This sequence change replaces isoleucine, which is neutral and non-polar, with valine, which is neutral and non-polar, at codon 407 of the EGFR protein (p.Ile407Val). This variant is present in population databases (no rsID available, gnomAD 0.01%). This variant has not been reported in the literature in individuals affected with EGFR-related conditions. ClinVar contains an entry for this variant (Variation ID: 856752). Invitae Evidence Modeling of protein sequence and biophysical properties (such as structural, functional, and spatial information, amino acid conservation, physicochemical variation, residue mobility, and thermodynamic stability) indicates that this missense variant is not expected to disrupt EGFR protein function with a negative predictive value of 80%. In summary, the available evidence is currently insufficient to determine the role of this variant in disease. Therefore, it has been classified as a Variant of Uncertain Significance.

Ambry Genetics
Classification: Uncertain significance for Hereditary cancer-predisposing syndrome. Last evaluated: 2025-01-17. Review status: criteria provided, single submitter. Criteria: Ambry Variant Classification Scheme 2023. Collection method: clinical testing. Allele origin: germline.
Comment: The p.I407V variant (also known as c.1219A>G), located in coding exon 11 of the EGFR gene, results from an A to G substitution at nucleotide position 1219. The isoleucine at codon 407 is replaced by valine, an amino acid with highly similar properties. This amino acid position is conserved. In addition, this alteration is predicted to be tolerated by in silico analysis. Based on the available evidence, the clinical significance of this variant remains unclear.